The following is an entry in ClinVar:

NM_000321.3(RB1):c.2078A>T (p.Glu693Val)

Gene: RB1 (RB transcriptional corepressor 1; plus strand). Cytogenetic location: 13q14.2.
Variant type: single nucleotide variant.
Coding change: c.2078A>T on transcript NM_000321.3 (MANE Select); coding-DNA position 2078, A replaced by T.
Protein change: p.Glu693Val; replaces glutamic acid 693 with valine.
Molecular consequence: missense variant.
Genome position (GRCh38, 1-based): chr13:48,459,805, A>T. VCF-style: chr13-48459805-A-T. GRCh37 (hg19) VCF-style: chr13-49033941-A-T.
Other names: c.2078A>T, p.Glu693Val (NM_001407165.1); short protein forms E693V.
Identifiers: ClinVar variation 2823070 (VCV002823070.3), dbSNP rs775195256, ClinGen allele CA388166915.

ClinVar aggregate classification (germline): Uncertain significance (1 of 4 stars; one submission).

Conditions:
Retinoblastoma (RB1). Also called: RETINOBLASTOMA, SOMATIC. Identifiers: Orphanet 790, MedGen C0035335, MeSH D012175, MONDO:0008380, OMIM 180200, HP:0009919. Disease mechanism: loss of function. Inheritance: Both sporadic and heritable forms are tested..

Submission:

Labcorp Genetics (formerly Invitae), Labcorp
Classification: Uncertain significance for Retinoblastoma. Last evaluated: 2024-06-12. Review status: criteria provided, single submitter. Criteria: Invitae Variant Classification Sherloc (09022015). Collection method: clinical testing. Allele origin: germline.
Comment: This sequence change replaces glutamic acid, which is acidic and polar, with valine, which is neutral and non-polar, at codon 693 of the RB1 protein (p.Glu693Val). This variant is not present in population databases (gnomAD no frequency). This variant has not been reported in the literature in individuals affected with RB1-related conditions. Advanced modeling of protein sequence and biophysical properties (such as structural, functional, and spatial information, amino acid conservation, physicochemical variation, residue mobility, and thermodynamic stability) performed at Invitae indicates that this missense variant is expected to disrupt RB1 protein function with a positive predictive value of 80%. RNA analysis performed to evaluate the impact of this missense change on mRNA splicing indicates it does not significantly alter splicing (Invitae). In summary, the available evidence is currently insufficient to determine the role of this variant in disease. Therefore, it has been classified as a Variant of Uncertain Significance.